The following is an entry in ClinVar:

ClinVar aggregate classification (germline): Benign/Likely benign. Review status: criteria provided, multiple submitters, no conflicts (2 of 4 stars). 8 submissions from 8 submitters: Benign (5); Likely benign (1). 2 of the submissions do not count toward it. Last evaluated 2026-01-14.

Conditions:
Cardiovascular phenotype. Identifiers: MedGen CN230736.
Lipase deficiency, combined. Also called: LIPOPROTEIN LIPASE DEFICIENCY WITH HEPATIC TRIGLYCERIDE LIPASE DEFICIENCY; LPL AND HL DEFICIENCY; LPL AND HTGL DEFICIENCY. Identifiers: Orphanet 535453, MedGen C1855498, MONDO:0009527, OMIM 246650.

Allele frequency attached by ClinVar (database versions not stated): gnomAD exomes 0.00050 and 0.00122; ExAC 0.00141; gnomAD 0.00393 and 0.00422; TOPMed 0.00428; ESP Exome Variant Server 0.00473; 1000 Genomes Project 0.00519; 1000 Genomes Project 30x 0.00562.
gnomAD v4.1: 1,346 of 1,613,356 alleles (0.083%); highest among the groups gnomAD compares: African/African-American, 1.5%; 8 homozygotes.

Submissions (8):

Labcorp Genetics (formerly Invitae), Labcorp
Classification: Benign. Last evaluated: 2026-01-14. Review status: criteria provided, single submitter. Criteria: Invitae Variant Classification Sherloc (09022015). Collection method: clinical testing. Allele origin: germline.

Mayo Clinic Laboratories, Mayo Clinic
Classification: Benign. Last evaluated: 2025-03-12. Review status: criteria provided, single submitter. Criteria: ACMG Guidelines, 2015. Collection method: clinical testing. Allele origin: germline. Observed: 1 variant allele.
Comment: BS1, BS2, BP4_moderate

Blueprint Genetics
Classification: Likely benign. Last evaluated: 2024-09-18. Review status: criteria provided, single submitter. Criteria: ACMG Guidelines, 2015. Collection method: clinical testing. Allele origin: germline.

Fulgent Genetics
Classification: Benign for Lipase deficiency, combined. Last evaluated: 2021-10-08. Review status: criteria provided, single submitter. Criteria: ACMG Guidelines, 2015. Collection method: clinical testing. Allele origin: unknown.

Ambry Genetics
Classification: Benign for Cardiovascular phenotype. Last evaluated: 2019-09-16. Review status: criteria provided, single submitter. Criteria: Ambry Variant Classification Scheme 2023. Collection method: clinical testing. Allele origin: germline.

Eurofins Ntd Llc (ga)
Classification: Benign. Last evaluated: 2017-11-17. Review status: criteria provided, single submitter. Criteria: EGL Classification Definitions 2015. Collection method: clinical testing. Allele origin: germline. Observed: 1 variant allele, 1 heterozygote.

Clinical Genetics DNA and cytogenetics Diagnostics Lab, Erasmus MC, Erasmus Medical Center
Classification: Benign. Review status: no assertion criteria provided. Collection method: clinical testing. Allele origin: germline. Affected: yes. Study: VKGL Data-share Consensus. Not counted in ClinVar's aggregate classification.

Clinical Genetics, Academic Medical Center
Classification: Likely benign. Review status: no assertion criteria provided. Collection method: clinical testing. Allele origin: germline. Affected: yes. Study: VKGL Data-share Consensus. Not counted in ClinVar's aggregate classification.

Literature cited by the submitters: PubMed 22135386 (cited by Mayo Clinic Laboratories, Mayo Clinic); PubMed 36325899 (cited by Mayo Clinic Laboratories, Mayo Clinic).

NM_022773.4(LMF1):c.302G>C (p.Arg101Thr)

Gene: LMF1 (lipase maturation factor 1; minus strand). Cytogenetic location: 16p13.3.
Variant type: single nucleotide variant.
Coding change: c.302G>C on transcript NM_022773.4 (MANE Select); coding-DNA position 302, G replaced by C.
Protein change: p.Arg101Thr; replaces arginine 101 with threonine.
Molecular consequence: missense variant. On other transcripts: 5 prime UTR variant (4), non-coding transcript variant (1).
Genome position (GRCh38, 1-based): chr16:954,558, C>G on the plus strand (G>C on the coding strand, the complement: LMF1 is on the minus strand). VCF-style: chr16-954558-C-G. GRCh37 (hg19) VCF-style: chr16-1004558-C-G.
Other names: p.Arg101Thr; c.-502G>C (NM_001352017.2); c.-253G>C (NM_001352018.2); c.-26G>C (NM_001352019.2); c.302G>C, p.Arg101Thr (NM_001352020.1); c.-404G>C (NM_001352021.2); short protein forms R101T.
Identifiers: ClinVar variation 594734 (VCV000594734.23), dbSNP rs147688306, ClinGen allele CA7797691.